The following is an entry in ClinVar:

ClinVar aggregate classification (germline): Pathogenic (1 of 4 stars; one submission).

Conditions:
Metachromatic leukodystrophy (MLD). Also called: ARSA DEFICIENCY; CEREBROSIDE SULFATASE DEFICIENCY; SULFATIDE LIPIDOSIS; METACHROMATIC LEUKOENCEPHALOPATHY; Cerebral sclerosis diffuse metachromatic form; Arylsulfatase A Deficiency. Identifiers: Orphanet 512, MedGen C0023522, MONDO:0018868, OMIM 250100.

Submission:

Labcorp Genetics (formerly Invitae), Labcorp
Classification: Pathogenic for Metachromatic leukodystrophy. Last evaluated: 2022-11-27. Review status: criteria provided, single submitter. Criteria: Invitae Variant Classification Sherloc (09022015). Collection method: clinical testing. Allele origin: unknown.
Comment: For these reasons, this variant has been classified as Pathogenic. This variant disrupts a region of the ARSA protein in which other variant(s) (p.Cys491Gly) have been determined to be pathogenic (PMID: 15026521; Invitae). This suggests that this is a clinically significant region of the protein, and that variants that disrupt it are likely to be disease-causing. This variant has not been reported in the literature in individuals affected with ARSA-related conditions. This variant is a gross deletion of the genomic region encompassing exon(s) 2-8 of the ARSA gene, which includes the termination codon. This deletion extends beyond the assayed region for this gene and therefore may encompass additional genes. While this deletion is not anticipated to lead to nonsense mediated decay, it is expected to alter mRNA translation or result in a truncated protein product.

Literature cited by the submitters: PubMed 15026521.

NC_000022.10:g.(?_51020158)_(51065854_?)del

Genes: ARSA (arylsulfatase A; minus strand), CHKB (choline kinase beta; minus strand), MAPK8IP2 (mitogen-activated protein kinase 8 interacting protein 2; plus strand). Cytogenetic location: 22q13.33.
Variant type: Deletion.
Identifiers: ClinVar variation 3247049 (VCV003247049.1).